The following is an entry in ClinVar:

ClinVar aggregate classification (germline): Uncertain significance (1 of 4 stars; one submission).

Conditions:
Charcot-Marie-Tooth disease dominant intermediate F. Identifiers: Orphanet 352670, MedGen C4749463, MONDO:0014074, OMIM 615185.

Submission:

Labcorp Genetics (formerly Invitae), Labcorp
Classification: Uncertain significance for Charcot-Marie-Tooth disease dominant intermediate F. Last evaluated: 2023-07-10. Review status: criteria provided, single submitter. Criteria: Invitae Variant Classification Sherloc (09022015). Collection method: clinical testing. Allele origin: germline.
Comment: In summary, the available evidence is currently insufficient to determine the role of this variant in disease. Therefore, it has been classified as a Variant of Uncertain Significance. Advanced modeling of protein sequence and biophysical properties (such as structural, functional, and spatial information, amino acid conservation, physicochemical variation, residue mobility, and thermodynamic stability) has been performed at Invitae for this missense variant, however the output from this modeling did not meet the statistical confidence thresholds required to predict the impact of this variant on GNB4 protein function. This variant has not been reported in the literature in individuals affected with GNB4-related conditions. This variant is not present in population databases (gnomAD no frequency). This sequence change replaces serine, which is neutral and polar, with phenylalanine, which is neutral and non-polar, at codon 67 of the GNB4 protein (p.Ser67Phe).

NM_021629.4(GNB4):c.200C>T (p.Ser67Phe)

Gene: GNB4 (G protein subunit beta 4; minus strand). Cytogenetic location: 3q26.33.
Variant type: single nucleotide variant.
Coding change: c.200C>T on transcript NM_021629.4 (MANE Select); coding-DNA position 200, C replaced by T.
Protein change: p.Ser67Phe; replaces serine 67 with phenylalanine.
Molecular consequence: missense variant.
Genome position (GRCh38, 1-based): chr3:179,419,402, G>A on the plus strand (C>T on the coding strand, the complement: GNB4 is on the minus strand). VCF-style: chr3-179419402-G-A. GRCh37 (hg19) VCF-style: chr3-179137190-G-A.
Other names: short protein forms S67F.
Identifiers: ClinVar variation 2740311 (VCV002740311.3), dbSNP rs2473915534, ClinGen allele CA355470979.